The following is an entry in ClinVar:

ClinVar aggregate classification (germline): Uncertain significance. Review status: criteria provided, multiple submitters, no conflicts (2 of 4 stars). 3 submissions from 3 submitters: Uncertain significance (3). Last evaluated 2026-05-11.

Conditions:
Alport syndrome. Also called: Hemorrhagic familial nephritis; Hemorrhagic hereditary nephritis; Congenital hereditary hematuria. Identifiers: Orphanet 63, MedGen C1567741, MONDO:0018965.

gnomAD v4.1: 2 of 1,614,046 alleles (0.00012%); highest among the groups gnomAD compares: Admixed American, 0.0017%; no homozygotes.

Submissions (3):

Women's Health and Genetics/Laboratory Corporation of America, LabCorp
Classification: Uncertain significance. Last evaluated: 2026-05-11. Review status: criteria provided, single submitter. Criteria: LabCorp Variant Classification Summary - May 2015. Collection method: clinical testing. Allele origin: germline.
Comment: Variant summary: COL4A3 c.4192A>C (p.Lys1398Gln) results in a conservative amino acid change in the encoded protein sequence. Algorithms developed to predict the effect of missense changes on protein structure and function all suggest that this variant is likely to be tolerated. The variant was absent in 249270 control chromosomes (gnomAD). The available data on variant occurrences in the general population are insufficient to allow any conclusion about variant significance. c.4192A>C has been observed in one individual affected with Chronic kidney disease (Blasco_2024). These report(s) do not provide unequivocal conclusions about association of the variant with Alport Syndrome, Autosomal Recessive. To our knowledge, no experimental evidence demonstrating an impact on protein function has been reported. The following publication have been ascertained in the context of this evaluation (PMID: 38972501). ClinVar contains an entry for this variant (Variation ID: 4775578). Based on the evidence outlined above, the variant was classified as uncertain significance.

Myriad Genetics, Inc.
Classification: Uncertain significance for Alport syndrome. Last evaluated: 2026-02-17. Review status: criteria provided, single submitter. Criteria: Myriad Autosomal Dominant, Autosomal Recessive and X-Linked Classification Criteria (2023). Collection method: clinical testing. Allele origin: unknown.
Comment: NM_000091.4(COL4A3):c.4192A>C(K1398Q) is a missense variant classified as a variant of uncertain significance in the context of Alport syndrome, COL4A3-related. K1398Q has not been observed in cases with relevant disease. Relevant functional assessments of this variant are not available in the literature. K1398Q has not been observed in referenced population frequency databases. In summary, there is insufficient evidence to classify NM_000091.4(COL4A3):c.4192A>C(K1398Q) as pathogenic or benign. Please note: this variant was assessed in the context of healthy population screening.

Labcorp Genetics (formerly Invitae), Labcorp
Classification: Uncertain significance. Last evaluated: 2025-08-12. Review status: criteria provided, single submitter. Criteria: Invitae Variant Classification Sherloc (09022015). Collection method: clinical testing. Allele origin: germline.
Comment: This sequence change replaces lysine, which is basic and polar, with glutamine, which is neutral and polar, at codon 1398 of the COL4A3 protein (p.Lys1398Gln). This variant is not present in population databases (gnomAD no frequency). This variant has not been reported in the literature in individuals affected with COL4A3-related conditions. Invitae Evidence Modeling of protein sequence and biophysical properties (such as structural, functional, and spatial information, amino acid conservation, physicochemical variation, residue mobility, and thermodynamic stability) indicates that this missense variant is not expected to disrupt COL4A3 protein function with a negative predictive value of 95%. In summary, the available evidence is currently insufficient to determine the role of this variant in disease. Therefore, it has been classified as a Variant of Uncertain Significance.

Literature cited by the submitters: PubMed 38972501 (cited by Women's Health and Genetics/Laboratory Corporation of America, LabCorp).

NM_000091.5(COL4A3):c.4192A>C (p.Lys1398Gln)

Genes: MFF-DT (MFF divergent transcript; minus strand), COL4A3 (collagen type IV alpha 3 chain; plus strand). Cytogenetic location: 2q36.3.
Variant type: single nucleotide variant.
Coding change: c.4192A>C on transcript NM_000091.5 (MANE Select); coding-DNA position 4192, A replaced by C.
Protein change: p.Lys1398Gln; replaces lysine 1398 with glutamine.
Molecular consequence: missense variant.
Genome position (GRCh38, 1-based): chr2:227,305,023, A>C. VCF-style: chr2-227305023-A-C. GRCh37 (hg19) VCF-style: chr2-228169739-A-C.
Other names: short protein forms K1398Q.
Identifiers: ClinVar variation 4775578 (VCV004775578.3).